The following is an entry in ClinVar:

ClinVar aggregate classification (germline): Likely pathogenic (1 of 4 stars; one submission).

Conditions:
Hydatidiform mole, recurrent, 2 (HYDM2). Identifiers: Orphanet 254688, Orphanet 99927, MedGen C3280352, MONDO:0013671, OMIM 614293.

Submission:

Bioinformatics Unit, Institut Pasteur de Montevideo
Classification: Likely pathogenic for Hydatidiform mole, recurrent, 2. Review status: criteria provided, single submitter. Criteria: ACMG Guidelines, 2015. Collection method: clinical testing. Allele origin: germline. Inheritance: Autosomal recessive inheritance. Affected: yes. Observed: 1 variant allele, 1 homozygote.
Comment: A complex variant: Chr6:74072997_74072998del (GG/-, c.349_349+1del) / Chr6:74072999_74073000insAA (-/AA, c.349+2_349+3insAA), in the exon-intron boundary at the 3′ end of exon 2 of the KHDC3L gene (6q13, NM_001017361), was detected in homozygosis. This variant affects the last nucleotide of exon 2 and the adjacent canonical splicing donor site, corresponding to Gly117 in the predicted protein structure.

NM_001017361.3(KHDC3L):c.349_349+1del

Gene: KHDC3L (KH domain containing 3 like, subcortical maternal complex member; plus strand). Cytogenetic location: 6q13.
Variant type: Deletion.
Coding change: c.349_349+1del on transcript NM_001017361.3 (MANE Select); coding-DNA position 349 through the canonical splice donor site of the intron after coding-DNA position 349, 2 bases deleted (GG; older notation c.349_349+1delGG).
Molecular consequence: splice donor variant.
Genome position (GRCh38, 1-based): chr6:73,363,274-73,363,275, GG deleted. VCF-style (leftmost placement, unchanged base first): chr6-73363273-AGG-A. GRCh37 (hg19) VCF-style: chr6-74072996-AGG-A.
Identifiers: ClinVar variation 4884766 (VCV004884766.1).
Genomic context (GRCh38, chr6:73,363,273, plus strand): 5'-GGAGGACACAATCAAGATGATCATGAACCTGGCTGACTATCACCGCCAGCTCCAGGCGAA[AGG>A]TACGGGGCTGGGAATAGGGCTACCTGGAGCAAACCCTGGCTCCGTAGGAGTGATCCTGGG-3'